The following is an entry in ClinVar:

NM_000059.4(BRCA2):c.324T>A (p.Asn108Lys)

Gene: BRCA2 (BRCA2 DNA repair associated; plus strand). Cytogenetic location: 13q13.1.
Variant type: single nucleotide variant.
Coding change: c.324T>A on transcript NM_000059.4 (MANE Select); coding-DNA position 324, T replaced by A.
Protein change: p.Asn108Lys; replaces asparagine 108 with lysine.
Molecular consequence: missense variant.
Genome position (GRCh38, 1-based): chr13:32,325,083, T>A. VCF-style: chr13-32325083-T-A. GRCh37 (hg19) VCF-style: chr13-32899220-T-A.
Other names: short protein forms N108K.
Identifiers: ClinVar variation 629814 (VCV000629814.8), dbSNP rs772010158, ClinGen allele CA387756507.

ClinVar aggregate classification (germline): Uncertain significance. Review status: criteria provided, multiple submitters, no conflicts (2 of 4 stars). 2 submissions from 2 submitters: Uncertain significance (2). Last evaluated 2022-02-21.

Conditions:
Hereditary cancer-predisposing syndrome. Also called: Neoplastic Syndromes, Hereditary; Tumor predisposition; Hereditary neoplastic syndrome; Hereditary Cancer Syndrome. Identifiers: Orphanet 140162, MedGen C0027672, MeSH D009386, MONDO:0015356.
Hereditary breast ovarian cancer syndrome. Also called: Hereditary breast and ovarian cancer syndrome; Hereditary breast and ovarian cancer; Hereditary breast and ovarian cancer syndrome (HBOC); Breast and ovarian cancer; Hereditary breast and/or ovarian cancer syndrome; BRCA1- and BRCA2-Associated Hereditary Breast and Ovarian Cancer. Identifiers: Orphanet 145, MedGen C0677776, MeSH D061325, MONDO:0003582. Disease mechanism: loss of function.

Submissions (2):

Labcorp Genetics (formerly Invitae), Labcorp
Classification: Uncertain significance for Hereditary breast ovarian cancer syndrome. Last evaluated: 2022-02-21. Review status: criteria provided, single submitter. Criteria: Invitae Variant Classification Sherloc (09022015). Collection method: clinical testing. Allele origin: germline.
Comment: This sequence change replaces asparagine, which is neutral and polar, with lysine, which is basic and polar, at codon 108 of the BRCA2 protein (p.Asn108Lys). This variant is not present in population databases (gnomAD no frequency). This missense change has been observed in individual(s) with breast and/or ovarian cancer (PMID: 28528518). ClinVar contains an entry for this variant (Variation ID: 629814). Advanced modeling of protein sequence and biophysical properties (such as structural, functional, and spatial information, amino acid conservation, physicochemical variation, residue mobility, and thermodynamic stability) performed at Invitae indicates that this missense variant is not expected to disrupt BRCA2 protein function. In summary, the available evidence is currently insufficient to determine the role of this variant in disease. Therefore, it has been classified as a Variant of Uncertain Significance.

Color Diagnostics, LLC DBA Color Health
Classification: Uncertain significance for Hereditary cancer-predisposing syndrome. Last evaluated: 2019-04-22. Review status: criteria provided, single submitter. Criteria: ACMG Guidelines, 2015. Collection method: clinical testing. Allele origin: germline.

Literature cited by the submitters: PubMed 28528518 (cited by Labcorp Genetics (formerly Invitae), Labcorp).